The following is an entry in ClinVar:

ClinVar aggregate classification (germline): Uncertain significance (1 of 4 stars; one submission).

Conditions:
Kleefstra syndrome 1 (KLEFS1). Identifiers: Orphanet 261494, MedGen C0795833, MONDO:0027407, OMIM 610253.

gnomAD v4.1: 1 of 1,611,838 alleles (0.000062%); highest among the groups gnomAD compares: Non-Finnish European, 0.000085%; no homozygotes.

Submission:

Labcorp Genetics (formerly Invitae), Labcorp
Classification: Uncertain significance for Kleefstra syndrome 1. Last evaluated: 2025-08-05. Review status: criteria provided, single submitter. Criteria: Invitae Variant Classification Sherloc (09022015). Collection method: clinical testing. Allele origin: germline.
Comment: This sequence change replaces proline, which is neutral and non-polar, with threonine, which is neutral and polar, at codon 1099 of the EHMT1 protein (p.Pro1099Thr). This variant is not present in population databases (gnomAD no frequency). This variant has not been reported in the literature in individuals affected with EHMT1-related conditions. Invitae Evidence Modeling of protein sequence and biophysical properties (such as structural, functional, and spatial information, amino acid conservation, physicochemical variation, residue mobility, and thermodynamic stability) indicates that this missense variant is expected to disrupt EHMT1 protein function with a positive predictive value of 80%. In summary, the available evidence is currently insufficient to determine the role of this variant in disease. Therefore, it has been classified as a Variant of Uncertain Significance.

NM_024757.5(EHMT1):c.3295C>A (p.Pro1099Thr)

Gene: EHMT1 (euchromatic histone lysine methyltransferase 1; plus strand). Cytogenetic location: 9q34.3.
Variant type: single nucleotide variant.
Coding change: c.3295C>A on transcript NM_024757.5 (MANE Select); coding-DNA position 3295, C replaced by A.
Protein change: p.Pro1099Thr; replaces proline 1099 with threonine.
Molecular consequence: missense variant.
Genome position (GRCh38, 1-based): chr9:137,815,983, C>A. VCF-style: chr9-137815983-C-A. GRCh37 (hg19) VCF-style: chr9-140710435-C-A.
Other names: c.3274C>A, p.Pro1092Thr (NM_001354263.2); short protein forms P1092T, P1099T.
Identifiers: ClinVar variation 4739818 (VCV004739818.1).